The following is an entry in ClinVar:

ClinVar aggregate classification (germline): Likely pathogenic (1 of 4 stars; one submission).

Submission:

Quest Diagnostics Nichols Institute San Juan Capistrano
Classification: Likely pathogenic. Last evaluated: 2022-05-23. Review status: criteria provided, single submitter. Criteria: ACMG/ClinGen CNV Guidelines, 2019. Collection method: clinical testing. Allele origin: unknown.
Comment: This copy number gain of 16p13.11 involves multiple genes, and overlaps with the 16p13.11 recurrent region (BP2-BP3). It confers susceptibility to a range of neurodevelopmental disorders including autism spectrum disorder, developmental delay, intellectual disability, and speech delay. Additionally, increased risk for cardiovascular disease has been noted. The clinical significance of this recurrent duplication has been debated, because similar duplications are repeatedly observed in uncharacterized controls and in unaffected relatives. However, the duplication is enriched in patients versus controls in multiple case-control studies, with some exceptions. A male-biased effect on the penetrance of the neurodevelopmental phenotypes has been reported. Thus, the clinical significance of this copy number variant (CNV) is likely pathogenic. Please note that due to variable phenotypic expressivity, incomplete penetrance, and occurrence in control populations, it is best interpreted as a susceptibility locus. References: Allach El Khattabi et al. J Med Genet. J Med Genet. 2020 May;57(5):301-7. PMID: 30287593. Ullmann et al. Hum Mutat. 2007;28(7):674-82. PMID: 17480035. Hannes et al. J Med Genet. 2009;46(4):223-32. PMID: 18550696. Coe et al. Nat Genet. 2014;46(10):1063-71. PMID: 25217958. Girirajan et al. N Engl J Med. 2012;367(14):1321-31. PMID: 22970919. Kaminsky et al. Genet Med. 2011;13(9):777-84. PMID: 21844811. Tropeano et al. PLoS One. 2013;8(4):e61365. PMID: 23637818.

GRCh37/hg19 16p13.11(chr16:15509407-16330672)x3

Genes: ABCC1 (ATP binding cassette subfamily C member 1 (ABCC1 blood group); plus strand), ABCC6 (ATP binding cassette subfamily C member 6; minus strand), BMERB1 (bMERB domain containing 1; plus strand), CEP20 (centrosomal protein 20; minus strand), MARF1 (meiosis regulator and mRNA stability factor 1; minus strand) and 3 more. Cytogenetic location: 16p13.11.
Variant type: copy number gain.
Change: copy number 3 (three copies instead of two) of chr16:15,509,407-16,330,672 (821.3 kb, GRCh37 coordinates, 1-based), cytogenetic band 16p13.11.
Identifiers: ClinVar variation 1808676 (VCV001808676.1).